The following is an entry in ClinVar:

NM_000166.6(GJB1):c.164C>T (p.Thr55Ile)

Gene: GJB1 (gap junction protein beta 1; plus strand). Cytogenetic location: Xq13.1.
Variant type: single nucleotide variant.
Coding change: c.164C>T on transcript NM_000166.6 (MANE Select); coding-DNA position 164, C replaced by T.
Protein change: p.Thr55Ile; replaces threonine 55 with isoleucine.
Molecular consequence: missense variant.
Genome position (GRCh38, 1-based): chrX:71,223,871, C>T. VCF-style: chrX-71223871-C-T. GRCh37 (hg19) VCF-style: chrX-70443721-C-T.
Other names: c.164C>T, p.Thr55Ile (NM_001097642.3); short protein forms T55I.
Identifiers: ClinVar variation 10446 (VCV000010446.15), dbSNP rs104894824, ClinGen allele CA340973.

ClinVar aggregate classification (germline): Pathogenic/Likely pathogenic. Review status: criteria provided, multiple submitters, no conflicts (2 of 4 stars). 7 submissions from 7 submitters: Pathogenic (3); Likely pathogenic (1). 3 of the submissions do not count toward it. Last evaluated 2024-07-30.

Conditions:
Charcot-Marie-Tooth Neuropathy X. Identifiers: MedGen CN118851.
Charcot-Marie-Tooth disease. Also called: Charcot-Marie-Tooth Hereditary Neuropathy; Charcot-Marie-Tooth Neuropathy. Identifiers: Orphanet 166, MedGen C0007959, MONDO:0015626.
Charcot-Marie-Tooth disease X-linked dominant 1. Also called: HEREDITARY MOTOR AND SENSORY NEUROPATHY, X-LINKED; HMSN, X-LINKED; X-linked Charcot-Marie-Tooth disease type 1; GJB1 Disorders: Charcot-Marie-Tooth Neuropathy (CMT1X) and Central Nervous System Phenotypes; CHARCOT-MARIE-TOOTH NEUROPATHY, X-LINKED, 1; CHARCOT-MARIE-TOOTH PERONEAL MUSCULAR ATROPHY, X-LINKED. Identifiers: Orphanet 101075, MedGen C0393808, MONDO:0010549, OMIM 302800.

Submissions (7):

GeneDx
Classification: Pathogenic. Last evaluated: 2024-07-30. Review status: criteria provided, single submitter. Criteria: GeneDx Variant Classification Process June 2021. Collection method: clinical testing. Allele origin: germline. Affected: yes.
Comment: Published functional studies demonstrate failure to form gap junction-like plaques and intracellular granules in order to traffic proteins to the cell membrane (PMID: 28071741, 12111842); Missense variants in this gene are a common cause of disease and they are underrepresented in the general population; Not observed at significant frequency in large population cohorts (gnomAD); This variant is associated with the following publications: (PMID: 19369543, 27585976, 14663027, 30196252, 28071741, 12111842, 18236012, 10220155, 11723288, 11271367, 31948496)

Labcorp Genetics (formerly Invitae), Labcorp
Classification: Pathogenic for Charcot-Marie-Tooth Neuropathy X. Last evaluated: 2024-02-03. Review status: criteria provided, single submitter. Criteria: Invitae Variant Classification Sherloc (09022015). Collection method: clinical testing. Allele origin: germline.
Comment: This sequence change replaces threonine, which is neutral and polar, with isoleucine, which is neutral and non-polar, at codon 55 of the GJB1 protein (p.Thr55Ile). This variant is not present in population databases (gnomAD no frequency). This missense change has been observed in individuals with Charcot-Marie-Tooth disease (PMID: 30196252). ClinVar contains an entry for this variant (Variation ID: 10446). Advanced modeling of protein sequence and biophysical properties (such as structural, functional, and spatial information, amino acid conservation, physicochemical variation, residue mobility, and thermodynamic stability) performed at Invitae indicates that this missense variant is not expected to disrupt GJB1 protein function with a negative predictive value of 80%. Experimental studies have shown that this missense change affects GJB1 function (PMID: 19369543). This variant disrupts the p.Thr55 amino acid residue in GJB1. Other variant(s) that disrupt this residue have been observed in individuals with GJB1-related conditions (PMID: 12185164, 12477701), which suggests that this may be a clinically significant amino acid residue. For these reasons, this variant has been classified as Pathogenic.

Athena Diagnostics
Classification: Likely pathogenic. Last evaluated: 2022-10-19. Review status: criteria provided, single submitter. Criteria: Athena Diagnostics Criteria. Collection method: clinical testing. Allele origin: unknown.
Comment: This variant has been identified in at least one individual with clinical features associated with this gene. This variant has not been reported in large, multi-ethnic general populations. Assessment of experimental evidence suggests this variant results in abnormal protein function. See PMID: 19369543, 12111842.

3billion
Classification: Pathogenic for Charcot-Marie-Tooth disease X-linked dominant 1. Review status: criteria provided, single submitter. Criteria: ACMG Guidelines, 2015. Collection method: clinical testing. Allele origin: unknown. Affected: yes. Observed: 1 hemizygote.
Comment: The variant is not observed in the gnomAD v2.1.1 dataset. In silico tool predictions suggest damaging effect of the variant on gene or gene product (REVEL: 0.94; 3Cnet: 0.99). Same nucleotide change resulting in same amino acid change has been previously reported as pathogenic/likely pathogenic with strong evidence (ClinVar ID: VCV000010446 / PMID: 10220155). Different missense changes at the same codon (p.Thr55Ala, p.Thr55Arg) have been reported as pathogenic/likely pathogenic with strong evidence (PMID: 12185164, 12477701). Therefore, this variant is classified as Pathogenic according to the recommendation of ACMG/AMP guideline.

OMIM
Classification: Pathogenic for CHARCOT-MARIE-TOOTH DISEASE, X-LINKED DOMINANT, 1. Last evaluated: 2001-11-27. Review status: no assertion criteria provided. Collection method: literature only. Allele origin: germline. Not counted in ClinVar's aggregate classification.

GeneReviews
No classification provided. Condition: Charcot-Marie-Tooth disease X-linked dominant 1. Review status: no classification provided. Collection method: literature only. Allele origin: unknown. Not counted in ClinVar's aggregate classification.

Inherited Neuropathy Consortium
Classification: Uncertain significance for Charcot-Marie-Tooth disease. Review status: no assertion criteria provided. Collection method: literature only. Allele origin: germline. Affected: yes. Not counted in ClinVar's aggregate classification.

Literature cited by the submitters: PubMed 30196252 (cited by Labcorp Genetics (formerly Invitae), Labcorp and Athena Diagnostics); PubMed 19369543 (cited by Labcorp Genetics (formerly Invitae), Labcorp and Athena Diagnostics); PubMed 12185164 (cited by Labcorp Genetics (formerly Invitae), Labcorp and 3billion); PubMed 12477701 (cited by Labcorp Genetics (formerly Invitae), Labcorp and 3billion); PubMed 10220155 (cited by 3 submitters); PubMed 31948496 (cited by Athena Diagnostics); PubMed 11723288 (cited by 3 submitters); PubMed 29462293 (cited by Athena Diagnostics); PubMed 28334782 (cited by Athena Diagnostics); PubMed 12111842 (cited by Athena Diagnostics); PubMed 20301548 (cited by GeneReviews); NCBI Bookshelf NBK1374 (cited by GeneReviews).